The following is an entry in ClinVar:

ClinVar aggregate classification (germline): Pathogenic/Likely pathogenic. Review status: criteria provided, multiple submitters, no conflicts (2 of 4 stars). 9 submissions from 9 submitters: Pathogenic (4); Likely pathogenic (1). 4 of the submissions do not count toward it. Last evaluated 2025-03-19.

Conditions:
Ellis-van Creveld syndrome (EVC). Also called: MESOECTODERMAL DYSPLASIA; EVC-Related Ellis-van Creveld Syndrome; EVC2-Related Ellis-van Creveld Syndrome; Chondroectodermal dysplasia. Identifiers: Orphanet 289, MedGen C0013903, MONDO:0009162, OMIM 225500.
Curry-Hall syndrome (WAD). Also called: WEYERS ACRODENTAL DYSOSTOSIS. Identifiers: Orphanet 952, MedGen C0457013, MONDO:0008673, OMIM 193530.
Short-rib thoracic dysplasia 6 with or without polydactyly (SRTD6). Also called: POLYDACTYLY WITH NEONATAL CHONDRODYSTROPHY, TYPE II; SHORT-RIB THORACIC DYSPLASIA 6 WITH POLYDACTYLY; SHORT RIB-POLYDACTYLY SYNDROME, TYPE IIA; SHORT-RIB THORACIC DYSPLASIA 6 WITHOUT POLYDACTYLY; Majewski Syndrome. Identifiers: MedGen C0024507, MONDO:0009894, OMIM 263520.

Allele frequency attached by ClinVar (database versions not stated): gnomAD 0.00036; TOPMed 0.00058.
gnomAD v4.1: 57 of 1,547,300 alleles (0.0037%); highest among the groups gnomAD compares: Non-Finnish European, 0.00052%; no homozygotes.

Submissions (9):

Women's Health and Genetics/Laboratory Corporation of America, LabCorp
Classification: Pathogenic for Ellis-van Creveld syndrome. Last evaluated: 2025-03-19. Review status: criteria provided, single submitter. Criteria: LabCorp Variant Classification Summary - May 2015. Collection method: clinical testing. Allele origin: germline.
Comment: Variant summary: EVC c.1886+5G>T alters a conserved nucleotide located close to a canonical splice site and therefore could affect mRNA splicing, leading to a significantly altered protein sequence. Several computational tools predict a significant impact on normal splicing: Three predict the variant abolishes a canonical 5' splicing donor site. One predicts the variant weakens this site. At least one publication reports experimental evidence that this variant affects mRNA splicing (Tompson_2007). The variant allele was found at a frequency of 6.5e-06 in 154720 control chromosomes (gnomAD). c.1886+5G>T has been reported in the literature in individuals affected with Ellis-van Creveld syndrome (e.g. Ruiz-Perez_2000). These data indicate that the variant is likely to be associated with disease. ClinVar contains an entry for this variant (Variation ID: 5338). Based on the evidence outlined above, the variant was classified as pathogenic.

Natera, Inc.
Classification: Pathogenic for Ellis-van Creveld syndrome. Last evaluated: 2024-11-19. Review status: criteria provided, single submitter. Criteria: Natera Variant Classification Schema (03/2026). Collection method: clinical testing. Allele origin: germline.
Comment: The c.1886+5G>T variant in EVC is an intronic variant located outside the canonical splice sites. This variant is rare in the general population with a frequency below the threshold expected for the associated phenotype(s). This variant has been observed in one or more individuals affected with the associated recessive disease, as either homozygous or compound heterozygous with a second variant (PMID: 17024374, 10700184, 23220543). Additionally, this variant has been observed to segregate in affected family members (PMID: 10700184). Functional studies show that this variant may disrupt protein function (PMID: 17024374). Computational prediction algorithms indicate this variant is likely to affect gene or protein function. Given the available evidence, this variant is classified as Pathogenic.

Labcorp Genetics (formerly Invitae), Labcorp
Classification: Likely pathogenic for Curry-Hall syndrome; Ellis-van Creveld syndrome. Last evaluated: 2024-10-08. Review status: criteria provided, single submitter. Criteria: Invitae Variant Classification Sherloc (09022015). Collection method: clinical testing. Allele origin: germline.
Comment: This sequence change falls in intron 13 of the EVC gene. It does not directly change the encoded amino acid sequence of the EVC protein. RNA analysis indicates that this variant induces altered splicing and likely results in a shortened protein product. This variant is present in population databases (rs794726665, gnomAD 0.002%). This variant has been observed in individual(s) with Ellis-van Creveld syndrome (PMID: 10700184, 23220543, 31028937). It has also been observed to segregate with disease in related individuals. This variant is also known as IVS13+5G>T. ClinVar contains an entry for this variant (Variation ID: 5338). Variants that disrupt the consensus splice site are a relatively common cause of aberrant splicing (PMID: 17576681, 9536098). Studies have shown that this variant results in skipping of exon 13, but is expected to preserve the integrity of the reading-frame (PMID: 17024374). In summary, the currently available evidence indicates that the variant is pathogenic, but additional data are needed to prove that conclusively. Therefore, this variant has been classified as Likely Pathogenic.

Fulgent Genetics
Classification: Pathogenic for Curry-Hall syndrome; Ellis-van Creveld syndrome. Last evaluated: 2024-06-22. Review status: criteria provided, single submitter. Criteria: ACMG Guidelines, 2015. Collection method: clinical testing. Allele origin: germline.

GeneDx
Classification: Pathogenic. Last evaluated: 2024-04-30. Review status: criteria provided, single submitter. Criteria: GeneDx Variant Classification Process June 2021. Collection method: clinical testing. Allele origin: germline. Affected: yes.
Comment: Intronic variant directly or indirectly altering the +5 splice site in a gene for which loss of function is a known mechanism of disease, and splice predictors support a deleterious effect; Not observed at significant frequency in large population cohorts (gnomAD); This variant is associated with the following publications: (PMID: 25525159, 10700184, 23348723, 10700162, 17024374, 29068549, 31028937, 29173298, 23220543)

Counsyl
Classification: Pathogenic for Ellis-van Creveld syndrome. Last evaluated: 2018-02-27. Review status: no assertion criteria provided. Collection method: clinical testing. Allele origin: unknown. Not counted in ClinVar's aggregate classification.

Dan Cohn Lab, University Of California Los Angeles
Classification: Pathogenic for Short-rib thoracic dysplasia 6 with or without polydactyly. Last evaluated: 2017-06-01. Review status: no assertion criteria provided. Collection method: research. Allele origin: unknown. Affected: yes. Not counted in ClinVar's aggregate classification.

OMIM
Classification: Pathogenic for ELLIS-VAN CREVELD SYNDROME. Last evaluated: 2000-03-01. Review status: no assertion criteria provided. Collection method: literature only. Allele origin: germline. Not counted in ClinVar's aggregate classification.

University of Washington Center for Mendelian Genomics, University of Washington
Classification: Likely pathogenic for short-rib polydactyly syndrome type II. Review status: no assertion criteria provided. Collection method: research. Allele origin: inherited. Affected: yes. Not counted in ClinVar's aggregate classification.

Literature cited by the submitters: PubMed 17024374 (cited by 4 submitters); PubMed 10700184 (cited by 5 submitters); PubMed 23220543 (cited by 3 submitters); PubMed 31028937 (cited by Labcorp Genetics (formerly Invitae), Labcorp); PubMed 17576681 (cited by Labcorp Genetics (formerly Invitae), Labcorp); PubMed 9536098 (cited by Labcorp Genetics (formerly Invitae), Labcorp); PubMed 29068549 (cited by Dan Cohn Lab, University Of California Los Angeles and University of Washington Center for Mendelian Genomics, University of Washington); PubMed 10700162 (cited by OMIM); PubMed 9066272 (cited by OMIM); PubMed 14217223 (cited by OMIM).

NM_153717.3(EVC):c.1886+5G>T

Gene: EVC (EvC ciliary complex subunit 1; plus strand). Cytogenetic location: 4p16.2.
Variant type: single nucleotide variant.
Coding change: c.1886+5G>T on transcript NM_153717.3 (MANE Select); 5 bases into the intron after coding-DNA position 1886, G replaced by T.
Molecular consequence: intron variant.
Genome position (GRCh38, 1-based): chr4:5,793,722, G>T. VCF-style: chr4-5793722-G-T. GRCh37 (hg19) VCF-style: chr4-5795449-G-T.
Other names: IVS13DS, G-T, +5; c.1886+5G>T (NM_001306090.2).
Identifiers: ClinVar variation 5338 (VCV000005338.18), dbSNP rs794726665, ClinGen allele CA212828.